The following is an entry in ClinVar:

ClinVar aggregate classification (germline): Uncertain significance (1 of 4 stars; one submission).

gnomAD v4.1: 3 of 1,612,334 alleles (0.00019%); highest among the groups gnomAD compares: Non-Finnish European, 0.00025%; no homozygotes.

Submission:

GeneDx
Classification: Uncertain significance. Last evaluated: 2025-03-03. Review status: criteria provided, single submitter. Criteria: GeneDx Variant Classification Process June 2021. Collection method: clinical testing. Allele origin: germline. Affected: yes.
Comment: Not observed at significant frequency in large population cohorts (gnomAD); In silico analysis supports that this missense variant has a deleterious effect on protein structure/function; Has not been previously published as pathogenic or benign to our knowledge

NM_032119.4(ADGRV1):c.5063A>T (p.Glu1688Val)

Gene: ADGRV1 (adhesion G protein-coupled receptor V1; plus strand). Cytogenetic location: 5q14.3.
Variant type: single nucleotide variant.
Coding change: c.5063A>T on transcript NM_032119.4 (MANE Select); coding-DNA position 5063, A replaced by T.
Protein change: p.Glu1688Val; replaces glutamic acid 1688 with valine.
Molecular consequence: missense variant. On other transcripts: non-coding transcript variant (1).
Genome position (GRCh38, 1-based): chr5:90,674,187, A>T. VCF-style: chr5-90674187-A-T. GRCh37 (hg19) VCF-style: chr5-89970004-A-T.
Other names: short protein forms E1688V.
Identifiers: ClinVar variation 4082595 (VCV004082595.1).